The following is an entry in ClinVar:

NM_000213.5(ITGB4):c.5092G>A (p.Glu1698Lys)

Genes: GALK1 (galactokinase 1; minus strand), ITGB4 (integrin subunit beta 4; plus strand). Cytogenetic location: 17q25.1.
Variant type: single nucleotide variant.
Coding change: c.5092G>A on transcript NM_000213.5 (MANE Select); coding-DNA position 5092, G replaced by A.
Protein change: p.Glu1698Lys; replaces glutamic acid 1698 with lysine.
Molecular consequence: missense variant. On other transcripts: intron variant (1).
Genome position (GRCh38, 1-based): chr17:75,756,981, G>A. VCF-style: chr17-75756981-G-A. GRCh37 (hg19) VCF-style: chr17-73753062-G-A.
Other names: c.5041G>A, p.Glu1681Lys (NM_001005619.2); c.4882G>A, p.Glu1628Lys (NM_001005731.3, NM_001321123.2); c.4732G>A, p.Glu1578Lys (NM_001438834.1); c.*22+1053C>T (NM_001381985.1); short protein forms E1628K, E1698K, E1681K, E1578K.
Identifiers: ClinVar variation 325211 (VCV000325211.12), dbSNP rs776496019, ClinGen allele CA8770459.

ClinVar aggregate classification (germline): Uncertain significance. Review status: criteria provided, multiple submitters, no conflicts (2 of 4 stars). 4 submissions from 4 submitters: Uncertain significance (4). Last evaluated 2024-04-17.

Conditions:
Junctional epidermolysis bullosa with pyloric atresia. Also called: EPIDERMOLYSIS BULLOSA, JUNCTIONAL 5B, WITH PYLORIC ATRESIA; Junctional Epidermolysis Bullosa- Pyloric Atresia Syndrome; APLASIA CUTIS CONGENITA WITH GASTROINTESTINAL ATRESIA; CARMI SYNDROME; EB-PA-ACC; ITGB4-Related Epidermolysis Bullosa with Pyloric Atresia. Identifiers: Orphanet 79403, MedGen C5676875, MONDO:0009183, OMIM 226730.
Epidermolysis bullosa, junctional 5A, intermediate. Also called: EPIDERMOLYSIS BULLOSA, JUNCTIONAL 5A, GENERALIZED INTERMEDIATE; EPIDERMOLYSIS BULLOSA, JUNCTIONAL 5A, NON-HERLITZ TYPE. Identifiers: MedGen C5676956, MONDO:0030768, OMIM 619816.

Allele frequency attached by ClinVar (database versions not stated): gnomAD 0.00005 and 0.00004; ExAC 0.00002; gnomAD exomes 0.00003; TOPMed 0.00003.
gnomAD v4.1: 51 of 1,612,684 alleles (0.0032%); highest among the groups gnomAD compares: East Asian, 0.011%; no homozygotes.

Submissions (4):

GeneDx
Classification: Uncertain significance. Last evaluated: 2024-04-17. Review status: criteria provided, single submitter. Criteria: GeneDx Variant Classification Process June 2021. Collection method: clinical testing. Allele origin: germline. Affected: yes.
Comment: Has not been previously published as pathogenic or benign to our knowledge; In silico analysis indicates that this missense variant does not alter protein structure/function

Fulgent Genetics
Classification: Uncertain significance for Junctional epidermolysis bullosa with pyloric atresia; Epidermolysis bullosa, junctional 5A, intermediate. Last evaluated: 2024-02-29. Review status: criteria provided, single submitter. Criteria: ACMG Guidelines, 2015. Collection method: clinical testing. Allele origin: germline.

Labcorp Genetics (formerly Invitae), Labcorp
Classification: Uncertain significance. Last evaluated: 2022-03-04. Review status: criteria provided, single submitter. Criteria: Invitae Variant Classification Sherloc (09022015). Collection method: clinical testing. Allele origin: germline.
Comment: This sequence change replaces glutamic acid, which is acidic and polar, with lysine, which is basic and polar, at codon 1628 of the ITGB4 protein (p.Glu1628Lys). This variant is present in population databases (rs776496019, gnomAD 0.01%). This variant has not been reported in the literature in individuals affected with ITGB4-related conditions. ClinVar contains an entry for this variant (Variation ID: 325211). Algorithms developed to predict the effect of missense changes on protein structure and function are either unavailable or do not agree on the potential impact of this missense change (SIFT: "Not Available"; PolyPhen-2: "Probably Damaging"; Align-GVGD: "Not Available"). In summary, the available evidence is currently insufficient to determine the role of this variant in disease. Therefore, it has been classified as a Variant of Uncertain Significance.

Illumina Laboratory Services, Illumina
Classification: Uncertain significance for Junctional epidermolysis bullosa with pyloric atresia. Last evaluated: 2018-01-12. Review status: criteria provided, single submitter. Criteria: ICSL Variant Classification Criteria 13 December 2019. Collection method: clinical testing. Allele origin: germline.